The following is an entry in ClinVar:

NM_004187.5(KDM5C):c.889G>C (p.Glu297Gln)

Gene: KDM5C (lysine demethylase 5C; minus strand). Cytogenetic location: Xp11.22.
Variant type: single nucleotide variant.
Coding change: c.889G>C on transcript NM_004187.5 (MANE Select); coding-DNA position 889, G replaced by C.
Protein change: p.Glu297Gln; replaces glutamic acid 297 with glutamine.
Molecular consequence: missense variant. On other transcripts: non-coding transcript variant (3).
Genome position (GRCh38, 1-based): chrX:53,215,869, C>G on the plus strand (G>C on the coding strand, the complement: KDM5C is on the minus strand). VCF-style: chrX-53215869-C-G. GRCh37 (hg19) VCF-style: chrX-53245051-C-G.
Other names: c.688G>C, p.Glu230Gln (NM_001146702.2); c.886G>C, p.Glu296Gln (NM_001282622.3, NM_001353979.2, NM_001353982.2); c.889G>C, p.Glu297Gln (NM_001353978.3, NM_001353981.2, NM_001353984.2); short protein forms E296Q, E297Q, E230Q.
Identifiers: ClinVar variation 2733788 (VCV002733788.3), dbSNP rs1556851537, ClinGen allele CA413132976.

ClinVar aggregate classification (germline): Uncertain significance (1 of 4 stars; one submission).

Conditions:
Spastic paraplegia. Identifiers: MedGen C0037772, HP:0001258.

Allele frequency attached by ClinVar (database versions not stated): TOPMed below 0.00001; gnomAD exomes 0.00001.
gnomAD v4.1: 12 of 1,211,635 alleles (0.00099%); highest among the groups gnomAD compares: Non-Finnish European, 0.0011%; no homozygotes.

Submission:

Labcorp Genetics (formerly Invitae), Labcorp
Classification: Uncertain significance for Spastic paraplegia. Last evaluated: 2023-05-18. Review status: criteria provided, single submitter. Criteria: Invitae Variant Classification Sherloc (09022015). Collection method: clinical testing. Allele origin: germline.
Comment: This sequence change replaces glutamic acid, which is acidic and polar, with glutamine, which is neutral and polar, at codon 297 of the KDM5C protein (p.Glu297Gln). This variant is present in population databases (no rsID available, gnomAD 0.001%), including at least one homozygous and/or hemizygous individual. This variant has not been reported in the literature in individuals affected with KDM5C-related conditions. Advanced modeling of protein sequence and biophysical properties (such as structural, functional, and spatial information, amino acid conservation, physicochemical variation, residue mobility, and thermodynamic stability) performed at Invitae indicates that this missense variant is expected to disrupt KDM5C protein function. In summary, the available evidence is currently insufficient to determine the role of this variant in disease. Therefore, it has been classified as a Variant of Uncertain Significance.